The following is an entry in ClinVar:

NM_000284.4(PDHA1):c.935G>A (p.Ser312Asn)

Gene: PDHA1 (pyruvate dehydrogenase E1 subunit alpha 1; plus strand). Cytogenetic location: Xp22.12.
Variant type: single nucleotide variant.
Coding change: c.935G>A on transcript NM_000284.4 (MANE Select); coding-DNA position 935, G replaced by A.
Protein change: p.Ser312Asn; replaces serine 312 with asparagine.
Molecular consequence: missense variant.
Genome position (GRCh38, 1-based): chrX:19,358,951, G>A. VCF-style: chrX-19358951-G-A. GRCh37 (hg19) VCF-style: chrX-19377069-G-A.
Other names: c.1049G>A, p.Ser350Asn (NM_001173454.2); c.956G>A, p.Ser319Asn (NM_001173455.2); c.842G>A, p.Ser281Asn (NM_001173456.2); short protein forms S281N, S312N, S319N, S350N.
Identifiers: ClinVar variation 5037278 (VCV005037278.1).

ClinVar aggregate classification (germline): Uncertain significance (1 of 4 stars; one submission).

Submission:

GeneDx
Classification: Uncertain significance. Last evaluated: 2026-04-20. Review status: criteria provided, single submitter. Criteria: GeneDx Variant Classification Process June 2021. Collection method: clinical testing. Allele origin: germline.
Comment: Not observed at significant frequency in large population cohorts (gnomAD); In silico analysis suggests that this missense variant does not alter protein structure/function; Has not been previously published as pathogenic or benign to our knowledge